The following is an entry in ClinVar:

NM_006946.4(SPTBN2):c.3007G>A (p.Gly1003Ser)

Gene: SPTBN2 (spectrin beta, non-erythrocytic 2; minus strand). Cytogenetic location: 11q13.2.
Variant type: single nucleotide variant.
Coding change: c.3007G>A on transcript NM_006946.4 (MANE Select); coding-DNA position 3007, G replaced by A.
Protein change: p.Gly1003Ser; replaces glycine 1003 with serine.
Molecular consequence: missense variant.
Genome position (GRCh38, 1-based): chr11:66,701,092, C>T on the plus strand (G>A on the coding strand, the complement: SPTBN2 is on the minus strand). VCF-style: chr11-66701092-C-T. GRCh37 (hg19) VCF-style: chr11-66468563-C-T.
Other names: c.3028G>A, p.Gly1010Ser (NM_001411025.1); short protein forms G1010S, G1003S.
Identifiers: ClinVar variation 2219994 (VCV002219994.4), dbSNP rs770666144, ClinGen allele CA6128960.
Genomic context (GRCh38, chr11:66,701,092, plus strand): 5'-TTGCCTCTCGAGTCAGTTCGCCCACCCGGGCGGCGATGGCCTCCAGGTCCCGCTCCGTGC[C>T]GGCCAGCTTGCGCTGCAGGGCCAGCACCCCAGCCAGATCGTTGCCTAGGCCCTGGGTGGA-3'
Protein context (NP_008877.2, residues 993-1013): GVLALQRKLA[Gly1003Ser]TERDLEAIAA

ClinVar aggregate classification (germline): Uncertain significance. Review status: criteria provided, multiple submitters, no conflicts (2 of 4 stars). 3 submissions from 3 submitters: Uncertain significance (3). Last evaluated 2025-04-15.

Conditions:
Inborn genetic diseases. Identifiers: MedGen C0950123, MeSH D030342.

Allele frequency attached by ClinVar (database versions not stated): gnomAD 0.00002; gnomAD exomes 0.00003; ExAC 0.00004; TOPMed 0.00004.
gnomAD v4.1: 43 of 1,612,450 alleles (0.0027%); highest among the groups gnomAD compares: South Asian, 0.013%; no homozygotes.

Submissions (3):

Labcorp Genetics (formerly Invitae), Labcorp
Classification: Uncertain significance. Last evaluated: 2025-04-15. Review status: criteria provided, single submitter. Criteria: Invitae Variant Classification Sherloc (09022015). Collection method: clinical testing. Allele origin: germline.
Comment: This sequence change replaces glycine, which is neutral and non-polar, with serine, which is neutral and polar, at codon 1003 of the SPTBN2 protein (p.Gly1003Ser). This variant is present in population databases (rs770666144, gnomAD 0.02%). This variant has not been reported in the literature in individuals affected with SPTBN2-related conditions. ClinVar contains an entry for this variant (Variation ID: 2219994). Invitae Evidence Modeling of protein sequence and biophysical properties (such as structural, functional, and spatial information, amino acid conservation, physicochemical variation, residue mobility, and thermodynamic stability) indicates that this missense variant is not expected to disrupt SPTBN2 protein function with a negative predictive value of 80%. In summary, the available evidence is currently insufficient to determine the role of this variant in disease. Therefore, it has been classified as a Variant of Uncertain Significance.

Blueprint Genetics
Classification: Uncertain significance. Last evaluated: 2022-06-02. Review status: criteria provided, single submitter. Criteria: ACMG Guidelines, 2015. Collection method: clinical testing. Allele origin: germline.

Ambry Genetics
Classification: Uncertain significance for Inborn genetic diseases. Last evaluated: 2020-12-08. Review status: criteria provided, single submitter. Criteria: Ambry Variant Classification Scheme 2023. Collection method: clinical testing. Allele origin: germline.
Comment: The c.3007G>A (p.G1003S) alteration is located in exon 16 (coding exon 15) of the SPTBN2 gene. This alteration results from a G to A substitution at nucleotide position 3007, causing the glycine (G) at amino acid position 1003 to be replaced by a serine (S). The p.G1003S alteration is predicted to be tolerated by in silico analysis. Based on insufficient or conflicting evidence, the clinical significance of this alteration remains unclear.